The following is an entry in ClinVar:

ClinVar aggregate classification (germline): Pathogenic (1 of 4 stars; one submission).

Conditions:
Meckel-Gruber syndrome. Also called: Dysencephalia splachnocystica; DYSENCEPHALIA SPLANCHNOCYSTICA; GRUBER SYNDROME. Identifiers: Orphanet 564, MedGen C0265215, MONDO:0018921.
Nephronophthisis. Also called: Juvenile Nephronophthisis. Identifiers: Orphanet 655, MedGen C0687120, MONDO:0019005, HP:0000090.
Joubert syndrome. Also called: Familial aplasia of the vermis; CEREBELLOPARENCHYMAL DISORDER IV; JOUBERT-BOLTSHAUSER SYNDROME. Identifiers: Orphanet 475, MedGen C5979921, MONDO:0018772.

Submission:

Labcorp Genetics (formerly Invitae), Labcorp
Classification: Pathogenic for Joubert syndrome; Meckel-Gruber syndrome; Nephronophthisis. Last evaluated: 2019-09-04. Review status: criteria provided, single submitter. Criteria: Invitae Variant Classification Sherloc (09022015). Collection method: clinical testing. Allele origin: germline.
Comment: This variant has not been reported in the literature in individuals with CEP290-related conditions. For these reasons, this variant has been classified as Pathogenic. Loss-of-function variants in CEP290 are known to be pathogenic (PMID: 16909394, 17345604, 20690115, 25377065, 28559085). This variant is not present in population databases (ExAC no frequency). This sequence change creates a premature translational stop signal (p.Gln1174*) in the CEP290 gene. It is expected to result in an absent or disrupted protein product.

Literature cited by the submitters: PubMed 16909394; PubMed 17345604; PubMed 20690115; PubMed 25377065; PubMed 28559085.

NM_025114.4(CEP290):c.3520C>T (p.Gln1174Ter)

Gene: CEP290 (centrosomal protein 290; minus strand). Cytogenetic location: 12q21.32.
Variant type: single nucleotide variant.
Coding change: c.3520C>T on transcript NM_025114.4 (MANE Select); coding-DNA position 3520, C replaced by T.
Protein change: p.Gln1174Ter; replaces glutamine 1174 with a stop codon.
Molecular consequence: nonsense.
Genome position (GRCh38, 1-based): chr12:88,090,781, G>A on the plus strand (C>T on the coding strand, the complement: CEP290 is on the minus strand). VCF-style: chr12-88090781-G-A. GRCh37 (hg19) VCF-style: chr12-88484558-G-A.
Other names: short protein forms Q1174*.
Identifiers: ClinVar variation 935922 (VCV000935922.8), dbSNP rs2036974151, ClinGen allele CA386001942.